The following is an entry in ClinVar:

NM_004628.5(XPC):c.2420+1G>A

Gene: XPC (XPC complex subunit, DNA damage recognition and repair factor; minus strand). Cytogenetic location: 3p25.1.
Variant type: single nucleotide variant.
Coding change: c.2420+1G>A on transcript NM_004628.5 (MANE Select); the canonical splice donor site of the intron after coding-DNA position 2420, G replaced by A.
Molecular consequence: splice donor variant.
Genome position (GRCh38, 1-based): chr3:14,148,561, C>T on the plus strand (G>A on the coding strand, the complement: XPC is on the minus strand). VCF-style: chr3-14148561-C-T. GRCh37 (hg19) VCF-style: chr3-14190061-C-T.
Other names: c.2402+1G>A (NM_001354729.2); c.1841+1G>A (NM_001354726.2); c.2174+1G>A (NM_001354730.2); c.2414+1G>A (NM_001354727.2).
Identifiers: ClinVar variation 2698042 (VCV002698042.3), dbSNP rs2470225112, ClinGen allele CA351537640.

ClinVar aggregate classification (germline): Likely pathogenic (1 of 4 stars; one submission).

Submission:

Labcorp Genetics (formerly Invitae), Labcorp
Classification: Likely pathogenic. Last evaluated: 2023-11-21. Review status: criteria provided, single submitter. Criteria: Invitae Variant Classification Sherloc (09022015). Collection method: clinical testing. Allele origin: germline.
Comment: This sequence change affects a donor splice site in intron 13 of the XPC gene. It is expected to disrupt RNA splicing. Variants that disrupt the donor or acceptor splice site typically lead to a loss of protein function (PMID: 16199547), and loss-of-function variants in XPC are known to be pathogenic (PMID: 23173980, 25256075). This variant is not present in population databases (gnomAD no frequency). This variant has not been reported in the literature in individuals affected with XPC-related conditions. Algorithms developed to predict the effect of sequence changes on RNA splicing suggest that this variant may disrupt the consensus splice site. In summary, the currently available evidence indicates that the variant is pathogenic, but additional data are needed to prove that conclusively. Therefore, this variant has been classified as Likely Pathogenic.

Literature cited by the submitters: PubMed 16199547; PubMed 23173980; PubMed 25256075.